The following is an entry in ClinVar:

NM_001165963.4(SCN1A):c.72T>C (p.Ala24=)

Gene: SCN1A (sodium voltage-gated channel alpha subunit 1; minus strand). Cytogenetic location: 2q24.3.
Variant type: single nucleotide variant.
Coding change: c.72T>C on transcript NM_001165963.4 (MANE Select); coding-DNA position 72, T replaced by C.
Protein change: p.Ala24=; no amino-acid change (alanine 24 retained).
Molecular consequence: synonymous variant. On other transcripts: 5 prime UTR variant (1), non-coding transcript variant (1).
Genome position (GRCh38, 1-based): chr2:166,073,550, A>G on the plus strand (T>C on the coding strand, the complement: SCN1A is on the minus strand). VCF-style: chr2-166073550-A-G. GRCh37 (hg19) VCF-style: chr2-166930060-A-G.
Other names: c.72T>C, p.Ala24= (NM_001165964.3, NM_001202435.3, NM_001353948.2 and 10 more transcripts); c.-2354T>C (NM_001353961.2).
Identifiers: ClinVar variation 382689 (VCV000382689.15), dbSNP rs922097254, ClinGen allele CA16603967.

ClinVar aggregate classification (germline): Likely benign. Review status: criteria provided, multiple submitters, no conflicts (2 of 4 stars). 3 submissions from 3 submitters: Likely benign (3). Last evaluated 2024-12-02.

Conditions:
Inborn genetic diseases. Identifiers: MedGen C0950123, MeSH D030342.
Early-infantile DEE. Also called: Ohtahara syndrome; Early infantile epileptic encephalopathy with suppression bursts; Early infantile epileptic encephalopathy. Identifiers: Orphanet 1934, MedGen C0393706, MONDO:0800491.

Allele frequency attached by ClinVar (database versions not stated): gnomAD exomes below 0.00001; TOPMed 0.00003; gnomAD 0.00005.
gnomAD v4.1: 8 of 1,614,122 alleles (0.0005%); highest among the groups gnomAD compares: African/African-American, 0.011%; no homozygotes.

Submissions (3):

Labcorp Genetics (formerly Invitae), Labcorp
Classification: Likely benign for Early-infantile DEE. Last evaluated: 2024-12-02. Review status: criteria provided, single submitter. Criteria: Invitae Variant Classification Sherloc (09022015). Collection method: clinical testing. Allele origin: germline.

Ambry Genetics
Classification: Likely benign for Inborn genetic diseases. Last evaluated: 2018-05-15. Review status: criteria provided, single submitter. Criteria: Ambry Variant Classification Scheme 2023. Collection method: clinical testing. Allele origin: germline.

GeneDx
Classification: Likely benign. Last evaluated: 2016-01-07. Review status: criteria provided, single submitter. Criteria: GeneDx Variant Classification (06012015). Collection method: clinical testing. Allele origin: germline. Affected: yes.
Comment: This variant is considered likely benign or benign based on one or more of the following criteria: it is a conservative change, it occurs at a poorly conserved position in the protein, it is predicted to be benign by multiple in silico algorithms, and/or has population frequency not consistent with disease.